The following is an entry in ClinVar:

NM_004168.4(SDHA):c.1664-3C>T

Gene: SDHA (succinate dehydrogenase complex flavoprotein subunit A; plus strand). Cytogenetic location: 5p15.33.
Variant type: single nucleotide variant.
Coding change: c.1664-3C>T on transcript NM_004168.4 (MANE Select); 3 bases into the intron before coding-DNA position 1664, C replaced by T.
Molecular consequence: intron variant.
Genome position (GRCh38, 1-based): chr5:251,335, C>T. VCF-style: chr5-251335-C-T. GRCh37 (hg19) VCF-style: chr5-251450-C-T.
Other names: c.1552-3058C>T (NM_001330758.2); c.1520-3C>T (NM_001294332.2).
Identifiers: ClinVar variation 2932680 (VCV002932680.3), dbSNP rs2477457519, ClinGen allele CA2740091636.

ClinVar aggregate classification (germline): Uncertain significance (1 of 4 stars; one submission).

Conditions:
Mitochondrial complex II deficiency, nuclear type 1. Also called: SUCCINATE CoQ REDUCTASE DEFICIENCY. Identifiers: Orphanet 3208, MedGen C5700310, MONDO:0100294, OMIM 252011.
Pheochromocytoma/paraganglioma syndrome 5. Also called: Paragangliomas 5; SDHA-Related Hereditary Paraganglioma-Pheochromocytoma Syndrome. Identifiers: Orphanet 29072, MedGen C3279992, MONDO:0013602, OMIM 614165.

Submission:

Labcorp Genetics (formerly Invitae), Labcorp
Classification: Uncertain significance for Pheochromocytoma/paraganglioma syndrome 5; Mitochondrial complex II deficiency, nuclear type 1. Last evaluated: 2023-06-24. Review status: criteria provided, single submitter. Criteria: Invitae Variant Classification Sherloc (09022015). Collection method: clinical testing. Allele origin: germline.
Comment: In summary, the available evidence is currently insufficient to determine the role of this variant in disease. Therefore, it has been classified as a Variant of Uncertain Significance. Variants that disrupt the consensus splice site are a relatively common cause of aberrant splicing (PMID: 17576681, 9536098). Algorithms developed to predict the effect of sequence changes on RNA splicing suggest that this variant is not likely to affect RNA splicing. This variant has not been reported in the literature in individuals affected with SDHA-related conditions. This variant is not present in population databases (gnomAD no frequency). This sequence change falls in intron 12 of the SDHA gene. It does not directly change the encoded amino acid sequence of the SDHA protein. It affects a nucleotide within the consensus splice site.

Literature cited by the submitters: PubMed 17576681; PubMed 9536098.